The following is an entry in ClinVar:

ClinVar aggregate classification (germline): Uncertain significance (1 of 4 stars; one submission).

gnomAD v4.1: 4 of 1,614,184 alleles (0.00025%); highest among the groups gnomAD compares: Middle Eastern, 0.049%; no homozygotes.

Submission:

Women's Health and Genetics/Laboratory Corporation of America, LabCorp
Classification: Uncertain significance. Last evaluated: 2024-09-20. Review status: criteria provided, single submitter. Criteria: LabCorp Variant Classification Summary - May 2015. Collection method: clinical testing. Allele origin: germline.
Comment: Variant summary: MED13L c.4621A>G (p.Thr1541Ala) results in a non-conservative amino acid change located in the MID domain of medPIW (IPR041285) of the encoded protein sequence. Four of five in-silico tools predict a benign effect of the variant on protein function. The variant allele was found at a frequency of 4e-06 in 250832 control chromosomes. The available data on variant occurrences in the general population are insufficient to allow any conclusion about variant significance. To our knowledge, no occurrence of c.4621A>G in individuals affected with Intellectual Disability And Distinctive Facial Features With Or Without Cardiac Defects and no experimental evidence demonstrating its impact on protein function have been reported. No submitters have cited clinical-significance assessments for this variant to ClinVar. Based on the evidence outlined above, the variant was classified as uncertain significance.

NM_015335.5(MED13L):c.4621A>G (p.Thr1541Ala)

Gene: MED13L (mediator complex subunit 13L; minus strand). Cytogenetic location: 12q24.21.
Variant type: single nucleotide variant.
Coding change: c.4621A>G on transcript NM_015335.5 (MANE Select); coding-DNA position 4621, A replaced by G.
Protein change: p.Thr1541Ala; replaces threonine 1541 with alanine.
Molecular consequence: missense variant.
Genome position (GRCh38, 1-based): chr12:115,983,451, T>C on the plus strand (A>G on the coding strand, the complement: MED13L is on the minus strand). VCF-style: chr12-115983451-T-C. GRCh37 (hg19) VCF-style: chr12-116421256-T-C.
Other names: short protein forms T1541A.
Identifiers: ClinVar variation 3375353 (VCV003375353.1).